The following is an entry in ClinVar:

NM_014717.3(ZNF536):c.2033dup (p.Glu679fs)

Gene: ZNF536 (zinc finger protein 536; plus strand). Cytogenetic location: 19q12.
Variant type: Duplication.
Coding change: c.2033dup on transcript NM_014717.3 (MANE Select); coding-DNA position 2033, one base duplicated (A; older notation c.2033dupA).
Protein change: p.Glu679fs; shifts the reading frame from glutamic acid 679.
Molecular consequence: frameshift variant.
Genome position (GRCh38, 1-based): chr19:30,445,595, A duplicated. VCF-style (leftmost placement, unchanged base first): chr19-30445594-C-CA. GRCh37 (hg19) VCF-style: chr19-30936501-C-CA.
Other names: c.2033dup, p.Glu679fs (NM_001352260.2, NM_001376110.1, NM_001376111.1 and 1 more transcripts); short protein forms E679fs.
Identifiers: ClinVar variation 4976686 (VCV004976686.2).
Genomic context (GRCh38, chr19:30,445,594, plus strand): 5'-AAGGGCGAGGAGGATGGGCTGCACGTGGGCCTGGATGAGCGGCGTGGCTCGGGCAGTGAC[C>CA]AGGAGTCCCAGTCGGTGAGCCGCTCCACCACGCCGGGCTCCTCTAACGTCACCGAGGAGA-3'

ClinVar aggregate classification (germline): Likely pathogenic (1 of 4 stars; one submission).

Submission:

GeneDx
Classification: Likely pathogenic. Last evaluated: 2026-10-26. Review status: criteria provided, single submitter. Criteria: GeneDx Variant Classification Process June 2021. Collection method: clinical testing. Allele origin: germline.
Comment: Not observed at significant frequency in large population cohorts (gnomAD); Frameshift variant predicted to result in protein truncation or nonsense mediated decay in a gene or region of a gene for which loss of function is not a well-established mechanism of disease; This variant is associated with the following publications: (PMID: 42697193)